The following is an entry in ClinVar:

ClinVar aggregate classification (germline): Likely benign (0 of 4 stars; one submission).

Conditions:
PLXNA4-related disorder. Also called: PLXNA4-related condition.

gnomAD v4.1: 56 of 1,613,916 alleles (0.0035%); highest among the groups gnomAD compares: African/African-American, 0.0053%; no homozygotes.

Submission:

PreventionGenetics, part of Exact Sciences
Classification: Likely benign for PLXNA4-related condition. Last evaluated: 2021-05-19. Review status: no assertion criteria provided. Collection method: clinical testing. Allele origin: germline.
Comment: This variant is classified as likely benign based on ACMG/AMP sequence variant interpretation guidelines (Richards et al. 2015 PMID: 25741868, with internal and published modifications).

NM_020911.2(PLXNA4):c.2238C>T (p.Ser746=)

Gene: PLXNA4 (plexin A4; minus strand). Cytogenetic location: 7q32.3.
Variant type: single nucleotide variant.
Coding change: c.2238C>T on transcript NM_020911.2 (MANE Select); coding-DNA position 2238, C replaced by T.
Protein change: p.Ser746=; no amino-acid change (serine 746 retained).
Molecular consequence: synonymous variant.
Genome position (GRCh38, 1-based): chr7:132,211,003, G>A on the plus strand (C>T on the coding strand, the complement: PLXNA4 is on the minus strand). VCF-style: chr7-132211003-G-A. GRCh37 (hg19) VCF-style: chr7-131895762-G-A.
Other names: c.2238C>T, p.Ser746= (NM_001393897.1).
Identifiers: ClinVar variation 3352120 (VCV003352120.1).